The following is an entry in ClinVar:

ClinVar aggregate classification (germline): Likely pathogenic (0 of 4 stars; one submission).

Conditions:
GPSM2-related disorder. Also called: GPSM2-related condition; GPSM2-related disorders.

Submission:

PreventionGenetics, part of Exact Sciences
Classification: Likely pathogenic for GPSM2-related condition. Last evaluated: 2024-01-23. Review status: no assertion criteria provided. Collection method: clinical testing. Allele origin: germline.
Comment: The GPSM2 c.414+2T>C variant is predicted to disrupt the GT donor site and interfere with normal splicing. To our knowledge, this variant has not been reported in the literature or in a large population database, indicating this variant is rare. Variants that disrupt the consensus splice donor site in GPSM2 are expected to be pathogenic. This variant is interpreted as likely pathogenic.

NM_013296.5(GPSM2):c.414+2T>C

Gene: GPSM2 (G protein signaling modulator 2; plus strand). Cytogenetic location: 1p13.3.
Variant type: single nucleotide variant.
Coding change: c.414+2T>C on transcript NM_013296.5 (MANE Select); the canonical splice donor site of the intron after coding-DNA position 414, T replaced by C.
Molecular consequence: splice donor variant.
Genome position (GRCh38, 1-based): chr1:108,897,629, T>C. VCF-style: chr1-108897629-T-C. GRCh37 (hg19) VCF-style: chr1-109440251-T-C.
Other names: c.414+2T>C (NM_001321038.2, NM_001321039.3).
Identifiers: ClinVar variation 3032032 (VCV003032032.2), dbSNP rs2524888761, ClinGen allele CA341457589.